The following is an entry in ClinVar:

ClinVar aggregate classification (germline): Pathogenic (1 of 4 stars; one submission).

Submission:

GeneDx
Classification: Pathogenic. Last evaluated: 2024-06-26. Review status: criteria provided, single submitter. Criteria: GeneDx Variant Classification Process June 2021. Collection method: clinical testing. Allele origin: germline. Affected: yes.
Comment: Not observed at significant frequency in large population cohorts (gnomAD); In silico analysis supports that this missense variant has a deleterious effect on protein structure/function; This variant is associated with the following publications: (PMID: 33057194, 35982159)

NM_000095.3(COMP):c.1322A>G (p.His441Arg)

Gene: COMP (cartilage oligomeric matrix protein; minus strand). Cytogenetic location: 19p13.11.
Variant type: single nucleotide variant.
Coding change: c.1322A>G on transcript NM_000095.3 (MANE Select); coding-DNA position 1322, A replaced by G.
Protein change: p.His441Arg; replaces histidine 441 with arginine.
Molecular consequence: missense variant.
Genome position (GRCh38, 1-based): chr19:18,786,132, T>C on the plus strand (A>G on the coding strand, the complement: COMP is on the minus strand). VCF-style: chr19-18786132-T-C. GRCh37 (hg19) VCF-style: chr19-18896942-T-C.
Other names: short protein forms H441R.
Identifiers: ClinVar variation 429931 (VCV000429931.3), dbSNP rs1131691682, ClinGen allele CA404885232.